The following is an entry in ClinVar:

ClinVar aggregate classification (germline): Uncertain significance (1 of 4 stars; one submission).

Conditions:
Inborn genetic diseases. Identifiers: MedGen C0950123, MeSH D030342.

Submission:

Ambry Genetics
Classification: Uncertain significance for Inborn genetic diseases. Last evaluated: 2021-09-22. Review status: criteria provided, single submitter. Criteria: Ambry Variant Classification Scheme 2023. Collection method: clinical testing. Allele origin: germline.
Comment: The c.10711+5G>T intronic alteration consists of a G to T substitution nucleotides after coding exon 67 in the TRRAP gene. Based on insufficient or conflicting evidence, the clinical significance of this alteration remains unclear.

NM_001375524.1(TRRAP):c.10753+5G>T

Gene: TRRAP (transformation/transcription domain associated protein; plus strand). Cytogenetic location: 7q22.1.
Variant type: single nucleotide variant.
Coding change: c.10753+5G>T on transcript NM_001375524.1 (MANE Select); 5 bases into the intron after coding-DNA position 10753, G replaced by T.
Molecular consequence: intron variant.
Genome position (GRCh38, 1-based): chr7:99,005,353, G>T. VCF-style: chr7-99005353-G-T. GRCh37 (hg19) VCF-style: chr7-98602976-G-T.
Other names: c.10711+5G>T (NM_001244580.2); c.10624+5G>T (NM_003496.4).
Identifiers: ClinVar variation 2244266 (VCV002244266.2), dbSNP rs1398897728, ClinGen allele CA2580077953.